The following is an entry in ClinVar:

NM_004370.6(COL12A1):c.43G>T (p.Ala15Ser)

Gene: COL12A1 (collagen type XII alpha 1 chain; minus strand). Cytogenetic location: 6q14.1.
Variant type: single nucleotide variant.
Coding change: c.43G>T on transcript NM_004370.6 (MANE Select); coding-DNA position 43, G replaced by T.
Protein change: p.Ala15Ser; replaces alanine 15 with serine.
Molecular consequence: missense variant.
Genome position (GRCh38, 1-based): chr6:75,202,750, C>A on the plus strand (G>T on the coding strand, the complement: COL12A1 is on the minus strand). VCF-style: chr6-75202750-C-A. GRCh37 (hg19) VCF-style: chr6-75912466-C-A.
Other names: c.43G>T, p.Ala15Ser (NM_080645.3); short protein forms A15S.
Identifiers: ClinVar variation 641177 (VCV000641177.46), dbSNP rs1453508139, ClinGen allele CA364734274.

ClinVar aggregate classification (germline): Conflicting classifications of pathogenicity. Review status: criteria provided, conflicting classifications (1 of 4 stars). 4 submissions from 4 submitters: Uncertain significance (3); Likely benign (1). Last evaluated 2026-05-29.

Conditions:
Inborn genetic diseases. Identifiers: MedGen C0950123, MeSH D030342.
Ullrich congenital muscular dystrophy 2 (UCMD2). Identifiers: Orphanet 75840, MedGen C4225314, MONDO:0014654, OMIM 616470.
Bethlem myopathy 2 (BTHLM2). Identifiers: Orphanet 536516, Orphanet 610, MedGen C4225313, MONDO:0034022, OMIM 616471.

Allele frequency attached by ClinVar (database versions not stated): gnomAD exomes 0.00001 and 0.00005; TOPMed 0.00001; gnomAD 0.00002.
gnomAD v4.1: 67 of 1,551,812 alleles (0.0043%); highest among the groups gnomAD compares: Non-Finnish European, 0.0057%; no homozygotes.

Submissions (4):

Women's Health and Genetics/Laboratory Corporation of America, LabCorp
Classification: Uncertain significance. Last evaluated: 2026-05-29. Review status: criteria provided, single submitter. Criteria: LabCorp Variant Classification Summary - May 2015. Collection method: clinical testing. Allele origin: germline.
Comment: Variant summary: COL12A1 c.43G>T (p.Ala15Ser) results in a conservative amino acid change in the encoded protein sequence. Algorithms developed to predict the effect of missense changes on protein structure and function all suggest that this variant is likely to be tolerated. The variant allele was found at a frequency of 4.3e-05 in 1551812 control chromosomes (gnomAD v4). This frequency is not significantly higher than estimated for disease-causing variants in COL12A1, allowing no conclusion about variant significance. To our knowledge, no occurrence of c.43G>T in individuals affected with COL12A1-related conditions and no experimental evidence demonstrating its impact on protein function have been reported. ClinVar contains an entry for this variant (Variation ID: 641177). Based on the evidence outlined above, the variant was classified as uncertain significance.

Labcorp Genetics (formerly Invitae), Labcorp
Classification: Likely benign for Bethlem myopathy 2; Ullrich congenital muscular dystrophy 2. Last evaluated: 2025-06-15. Review status: criteria provided, single submitter. Criteria: Invitae Variant Classification Sherloc (09022015). Collection method: clinical testing. Allele origin: germline.

Ambry Genetics
Classification: Uncertain significance for Inborn genetic diseases. Last evaluated: 2022-08-17. Review status: criteria provided, single submitter. Criteria: Ambry Variant Classification Scheme 2023. Collection method: clinical testing. Allele origin: germline.

CeGaT Center for Human Genetics Tuebingen
Classification: Uncertain significance. Last evaluated: 2021-05-01. Review status: criteria provided, single submitter. Criteria: CeGaT Center For Human Genetics Tuebingen Variant Classification Criteria Version 2. Collection method: clinical testing. Allele origin: germline. Affected: yes. Observed: 1 variant allele.